The following is an entry in ClinVar:

ClinVar aggregate classification (germline): Conflicting classifications of pathogenicity. Review status: criteria provided, conflicting classifications (1 of 4 stars). 2 submissions from 2 submitters: Pathogenic (1); Uncertain significance (1). Last evaluated 2025-07-10.

Submissions (2):

Women's Health and Genetics/Laboratory Corporation of America, LabCorp
Classification: Uncertain significance. Last evaluated: 2025-07-10. Review status: criteria provided, single submitter. Criteria: LabCorp Variant Classification Summary - May 2015. Collection method: clinical testing. Allele origin: germline.
Comment: Variant summary: GPR143 c.241G>T (p.Gly81Cys) results in a non-conservative amino acid change in the encoded protein sequence. Algorithms developed to predict the effect of missense changes on protein structure and function all suggest that this variant is likely to be disruptive. The frequency data for this variant in gnomAD is considered unreliable, as metrics indicate poor data quality at this position. c.241G>T has been observed in individual(s) affected with Ocular albinism, type I ((Lasseaux_2018, LCG internal data). These data indicate that the variant may be associated with disease. To our knowledge, no experimental evidence demonstrating an impact on protein function has been reported. The following publications have been ascertained in the context of this evaluation (PMID: 29345414). ClinVar contains an entry for this variant (Variation ID: 1359748). Based on the evidence outlined above, the variant was classified as VUS-possibly pathogenic.

Labcorp Genetics (formerly Invitae), Labcorp
Classification: Pathogenic. Last evaluated: 2024-12-02. Review status: criteria provided, single submitter. Criteria: Invitae Variant Classification Sherloc (09022015). Collection method: clinical testing. Allele origin: germline.
Comment: This sequence change replaces glycine, which is neutral and non-polar, with cysteine, which is neutral and slightly polar, at codon 81 of the GPR143 protein (p.Gly81Cys). This variant is not present in population databases (gnomAD no frequency). This missense change has been observed in individuals with early onset nystagmus and/or ocular albinism (PMID: 29345414; internal data). ClinVar contains an entry for this variant (Variation ID: 1359748). Invitae Evidence Modeling of protein sequence and biophysical properties (such as structural, functional, and spatial information, amino acid conservation, physicochemical variation, residue mobility, and thermodynamic stability) indicates that this missense variant is expected to disrupt GPR143 protein function with a positive predictive value of 95%. This variant disrupts the p.Gly81 amino acid residue in GPR143. Other variant(s) that disrupt this residue have been determined to be pathogenic (PMID: 29345414). This suggests that this residue is clinically significant, and that variants that disrupt this residue are likely to be disease-causing. For these reasons, this variant has been classified as Pathogenic.

Literature cited by the submitters: PubMed 29345414 (cited by Women's Health and Genetics/Laboratory Corporation of America, LabCorp and Labcorp Genetics (formerly Invitae), Labcorp).

NM_000273.3(GPR143):c.241G>T (p.Gly81Cys)

Gene: GPR143 (G protein-coupled receptor 143; minus strand). Cytogenetic location: Xp22.2.
Variant type: single nucleotide variant.
Coding change: c.241G>T on transcript NM_000273.3 (MANE Select); coding-DNA position 241, G replaced by T.
Protein change: p.Gly81Cys; replaces glycine 81 with cysteine.
Molecular consequence: missense variant.
Genome position (GRCh38, 1-based): chrX:9,765,577, C>A on the plus strand (G>T on the coding strand, the complement: GPR143 is on the minus strand). VCF-style: chrX-9765577-C-A. GRCh37 (hg19) VCF-style: chrX-9733617-C-A.
Other names: short protein forms G81C.
Identifiers: ClinVar variation 1359748 (VCV001359748.9), dbSNP rs1055796261, ClinGen allele CA412000355.
Genomic context (GRCh38, chrX:9,765,577, plus strand): 5'-CTCACCCAGGCGCTGATCAGATTCCAACCCGCGGGCCGCGCGCGCCCTTACCCAGGCAGC[C>A]GAGAAGGTCGCAGGCAGCGGCAGCGCGCAGGATGCGGACCGAGGCCGGCGGGGACGTCGC-3'
Protein context (NP_000264.2, residues 71-91): LRAAAACDLL[Gly81Cys]CLGMVIRSTV